The following is an entry in ClinVar:

NM_001267550.2(TTN):c.51896C>T (p.Pro17299Leu)

Genes: TTN (titin; minus strand), TTN-AS1 (TTN antisense RNA 1; plus strand). Cytogenetic location: 2q31.2.
Variant type: single nucleotide variant.
Coding change: c.51896C>T on transcript NM_001267550.2 (MANE Select); coding-DNA position 51896, C replaced by T.
Protein change: p.Pro17299Leu; replaces proline 17299 with leucine.
Molecular consequence: missense variant.
Genome position (GRCh38, 1-based): chr2:178,609,414, G>A on the plus strand (C>T on the coding strand, the complement: TTN is on the minus strand). VCF-style: chr2-178609414-G-A. GRCh37 (hg19) VCF-style: chr2-179474141-G-A.
Other names: c.46973C>T, p.Pro15658Leu (NM_001256850.1); c.24701C>T, p.Pro8234Leu (NM_003319.4); c.25076C>T, p.Pro8359Leu (NM_133432.3); c.25277C>T, p.Pro8426Leu (NM_133437.4); c.44192C>T, p.Pro14731Leu (NM_133378.4); short protein forms P14731L, P17299L, P15658L, P8426L, P8234L, P8359L.
Identifiers: ClinVar variation 166000 (VCV000166000.60), dbSNP rs369648778, ClinGen allele CA178797.

ClinVar aggregate classification (germline): Conflicting classifications of pathogenicity. Review status: criteria provided, conflicting classifications (1 of 4 stars). 9 submissions from 9 submitters: Uncertain significance (7); Likely benign (1). 1 of the submissions does not count toward it. Last evaluated 2026-03-25.

Conditions:
TTN-related disorder. Also called: TTN-related disorders; TTN-related condition; TTN-related disease.
Dilated cardiomyopathy 1G (CMD1G). Identifiers: Orphanet 154, MedGen C1858763, MONDO:0011400, OMIM 604145.
Autosomal recessive limb-girdle muscular dystrophy type 2J (LGMDR10). Also called: Limb-girdle muscular dystrophy, type 2J; MUSCULAR DYSTROPHY, LIMB-GIRDLE, AUTOSOMAL RECESSIVE 10. Identifiers: Orphanet 140922, MedGen C1837342, MONDO:0012127, OMIM 608807.

Allele frequency attached by ClinVar (database versions not stated): gnomAD 0.00007 and 0.00009; gnomAD exomes 0.00007 and 0.00008; ExAC 0.00008; ESP Exome Variant Server 0.00008; TOPMed 0.00009.
gnomAD v4.1: 127 of 1,611,970 alleles (0.0079%); highest among the groups gnomAD compares: Admixed American, 0.018%; no homozygotes.

Submissions (9):

Women's Health and Genetics/Laboratory Corporation of America, LabCorp
Classification: Uncertain significance. Last evaluated: 2026-03-25. Review status: criteria provided, single submitter. Criteria: LabCorp Variant Classification Summary - May 2015. Collection method: clinical testing. Allele origin: germline.
Comment: Variant summary: TTN NM_133378 c.44192C>T (p.Pro14731Leu), also known as NM_001267550 c.51896C>T (p.Pro17299Leu), results in a non-conservative amino acid change in the encoded protein sequence. Algorithms developed to predict the effect of missense changes on protein structure and function are either unavailable or do not agree on the potential impact of this missense change. The variant allele was found at a frequency of 8.1e-05 in 247838 control chromosomes, predominantly at a frequency of 0.00013 within the Non-Finnish European subpopulation in the gnomAD database. This frequency is not significantly higher than estimated for disease-causing variants in TTN, allowing no conclusion about variant significance. To our knowledge, no occurrence of c.44192C>T in individuals affected with TTN-related conditions and no experimental evidence demonstrating its impact on protein function have been reported. ClinVar contains an entry for this variant (Variation ID: 166000). Based on the evidence outlined above, the variant was classified as uncertain significance.

Blueprint Genetics
Classification: Likely benign. Last evaluated: 2024-10-23. Review status: criteria provided, single submitter. Criteria: ACMG Guidelines, 2015. Collection method: clinical testing. Allele origin: germline.

Mayo Clinic Laboratories, Mayo Clinic
Classification: Uncertain significance. Last evaluated: 2020-08-14. Review status: criteria provided, single submitter. Criteria: ACMG Guidelines, 2015. Collection method: clinical testing. Allele origin: germline. Observed: 1 variant allele.

CeGaT Center for Human Genetics Tuebingen
Classification: Uncertain significance. Last evaluated: 2019-03-01. Review status: criteria provided, single submitter. Criteria: CeGaT Center For Human Genetics Tuebingen Variant Classification Criteria Version 2. Collection method: clinical testing. Allele origin: germline. Affected: yes. Observed: 1 variant allele.

Labcorp Genetics (formerly Invitae), Labcorp
Classification: Uncertain significance for Dilated cardiomyopathy 1G; Autosomal recessive limb-girdle muscular dystrophy type 2J. Last evaluated: 2018-01-06. Review status: criteria provided, single submitter. Criteria: Invitae Variant Classification Sherloc (09022015). Collection method: clinical testing. Allele origin: germline.

Athena Diagnostics
Classification: Uncertain significance. Last evaluated: 2017-11-03. Review status: criteria provided, single submitter. Criteria: Athena Diagnostics Criteria. Collection method: clinical testing. Allele origin: germline.

Laboratory for Molecular Medicine, Mass General Brigham Personalized Medicine
Classification: Uncertain significance. Last evaluated: 2017-08-28. Review status: criteria provided, single submitter. Criteria: LMM Criteria. Collection method: clinical testing. Allele origin: germline. Observed: 1 variant allele.
Comment: proposed classification - variant undergoing re-assessment, contact laboratory

Eurofins Ntd Llc (ga)
Classification: Uncertain significance. Last evaluated: 2016-09-17. Review status: criteria provided, single submitter. Criteria: EGL Classification Definitions 2015. Collection method: clinical testing. Allele origin: germline. Observed: 2 variant alleles, 2 heterozygotes.

PreventionGenetics, part of Exact Sciences
Classification: Uncertain significance for TTN-related condition. Last evaluated: 2023-12-12. Review status: no assertion criteria provided. Collection method: clinical testing. Allele origin: germline. Not counted in ClinVar's aggregate classification.
Comment: The TTN c.51896C>T variant is predicted to result in the amino acid substitution p.Pro17299Leu. To our knowledge, this variant has not been reported in the literature. This variant is reported in 0.013% of alleles in individuals of European (Non-Finnish) descent in gnomAD. At this time, the clinical significance of this variant is uncertain due to the absence of conclusive functional and genetic evidence.